The following is an entry in ClinVar:

NM_000135.4(FANCA):c.2855A>C (p.Gln952Pro)

Gene: FANCA (FA complementation group A; minus strand). Cytogenetic location: 16q24.3.
Variant type: single nucleotide variant.
Coding change: c.2855A>C on transcript NM_000135.4 (MANE Select); coding-DNA position 2855, A replaced by C.
Protein change: p.Gln952Pro; replaces glutamine 952 with proline.
Molecular consequence: missense variant.
Genome position (GRCh38, 1-based): chr16:89,758,703, T>G on the plus strand (A>C on the coding strand, the complement: FANCA is on the minus strand). VCF-style: chr16-89758703-T-G. GRCh37 (hg19) VCF-style: chr16-89825111-T-G.
Other names: c.2855A>C, p.Gln952Pro (NM_001286167.3); c.2855A>C (NM_000135.2); short protein forms Q952P.
Identifiers: ClinVar variation 1523599 (VCV001523599.6), dbSNP rs2143225876, ClinGen allele CA397431604.

ClinVar aggregate classification (germline): Uncertain significance. Review status: criteria provided, multiple submitters, no conflicts (2 of 4 stars). 2 submissions from 2 submitters: Uncertain significance (2). Last evaluated 2026-07-17.

Conditions:
Inborn genetic diseases. Identifiers: MedGen C0950123, MeSH D030342.
Fanconi anemia (FA). Also called: Fanconi's anemia. Identifiers: Orphanet 84, MedGen C0015625, MeSH D005199, MONDO:0019391.

Submissions (2):

Ambry Genetics
Classification: Uncertain significance for Inborn genetic diseases. Last evaluated: 2026-07-17. Review status: criteria provided, single submitter. Criteria: Ambry Variant Classification Scheme 2023. Collection method: clinical testing. Allele origin: germline.
Comment: The p.Q952P variant (also known as c.2855A>C), located in coding exon 30 of the FANCA gene, results from an A to C substitution at nucleotide position 2855. The glutamine at codon 952 is replaced by proline, an amino acid with similar properties. This amino acid position is conserved. In addition, the in silico prediction for this alteration is inconclusive. Based on the available evidence, the clinical significance of this variant remains unclear.

Labcorp Genetics (formerly Invitae), Labcorp
Classification: Uncertain significance for Fanconi anemia. Last evaluated: 2022-03-26. Review status: criteria provided, single submitter. Criteria: Invitae Variant Classification Sherloc (09022015). Collection method: clinical testing. Allele origin: germline.
Comment: This sequence change replaces glutamine, which is neutral and polar, with proline, which is neutral and non-polar, at codon 952 of the FANCA protein (p.Gln952Pro). This variant is not present in population databases (gnomAD no frequency). This variant has not been reported in the literature in individuals affected with FANCA-related conditions. Algorithms developed to predict the effect of missense changes on protein structure and function (SIFT, PolyPhen-2, Align-GVGD) all suggest that this variant is likely to be tolerated. Algorithms developed to predict the effect of sequence changes on RNA splicing suggest that this variant may disrupt the consensus splice site. In summary, the available evidence is currently insufficient to determine the role of this variant in disease. Therefore, it has been classified as a Variant of Uncertain Significance.